The following is an entry in ClinVar:

NM_000440.3(PDE6A):c.2105T>C (p.Met702Thr)

Gene: PDE6A (phosphodiesterase 6A; minus strand). Cytogenetic location: 5q32.
Variant type: single nucleotide variant.
Coding change: c.2105T>C on transcript NM_000440.3 (MANE Select); coding-DNA position 2105, T replaced by C.
Protein change: p.Met702Thr; replaces methionine 702 with threonine.
Molecular consequence: missense variant.
Genome position (GRCh38, 1-based): chr5:149,883,459, A>G on the plus strand (T>C on the coding strand, the complement: PDE6A is on the minus strand). VCF-style: chr5-149883459-A-G. GRCh37 (hg19) VCF-style: chr5-149263022-A-G.
Other names: c.1862T>C, p.Met621Thr (NM_001410788.1); short protein forms M702T, M621T.
Identifiers: ClinVar variation 3696173 (VCV003696173.2).

ClinVar aggregate classification (germline): Uncertain significance (1 of 4 stars; one submission).

gnomAD v4.1: 3 of 1,613,456 alleles (0.00019%); highest among the groups gnomAD compares: Non-Finnish European, 0.00017%; no homozygotes.

Submission:

Labcorp Genetics (formerly Invitae), Labcorp
Classification: Uncertain significance. Last evaluated: 2025-01-27. Review status: criteria provided, single submitter. Criteria: Invitae Variant Classification Sherloc (09022015). Collection method: clinical testing. Allele origin: germline.
Comment: This sequence change replaces methionine, which is neutral and non-polar, with threonine, which is neutral and polar, at codon 702 of the PDE6A protein (p.Met702Thr). This variant is not present in population databases (gnomAD no frequency). This variant has not been reported in the literature in individuals affected with PDE6A-related conditions. Invitae Evidence Modeling of protein sequence and biophysical properties (such as structural, functional, and spatial information, amino acid conservation, physicochemical variation, residue mobility, and thermodynamic stability) indicates that this missense variant is not expected to disrupt PDE6A protein function with a negative predictive value of 95%. In summary, the available evidence is currently insufficient to determine the role of this variant in disease. Therefore, it has been classified as a Variant of Uncertain Significance.